The following is an entry in ClinVar:

ClinVar aggregate classification (germline): Uncertain significance. Review status: criteria provided, multiple submitters, no conflicts (2 of 4 stars). 2 submissions from 2 submitters: Uncertain significance (2). Last evaluated 2024-11-25.

Conditions:
Erythrocytosis, familial, 3 (ECYT3). Identifiers: Orphanet 247511, MedGen C1853286, MONDO:0012353, OMIM 609820.

Allele frequency attached by ClinVar (database versions not stated): gnomAD exomes below 0.00001.
gnomAD v4.1: 2 of 1,465,966 alleles (0.00014%); highest among the groups gnomAD compares: South Asian, 0.0026%; no homozygotes.

Submissions (2):

Ambry Genetics
Classification: Uncertain significance. Last evaluated: 2024-11-25. Review status: criteria provided, single submitter. Criteria: Ambry Variant Classification Scheme 2023. Collection method: clinical testing. Allele origin: germline.
Comment: The p.P77S variant (also known as c.229C>T), located in coding exon 1 of the EGLN1 gene, results from a C to T substitution at nucleotide position 229. The proline at codon 77 is replaced by serine, an amino acid with similar properties. This amino acid position is conserved. In addition, this alteration is predicted to be tolerated by in silico analysis. Since supporting evidence is limited at this time, the clinical significance of this alteration remains unclear.

Labcorp Genetics (formerly Invitae), Labcorp
Classification: Uncertain significance for Erythrocytosis, familial, 3. Last evaluated: 2024-07-08. Review status: criteria provided, single submitter. Criteria: Invitae Variant Classification Sherloc (09022015). Collection method: clinical testing. Allele origin: germline.
Comment: This sequence change replaces proline, which is neutral and non-polar, with serine, which is neutral and polar, at codon 77 of the EGLN1 protein (p.Pro77Ser). This variant is not present in population databases (gnomAD no frequency). This variant has not been reported in the literature in individuals affected with EGLN1-related conditions. ClinVar contains an entry for this variant (Variation ID: 1481614). Algorithms developed to predict the effect of missense changes on protein structure and function output the following: SIFT: "Not Available"; PolyPhen-2: "Possibly Damaging"; Align-GVGD: "Not Available". The serine amino acid residue is found in multiple mammalian species, which suggests that this missense change does not adversely affect protein function. In summary, the available evidence is currently insufficient to determine the role of this variant in disease. Therefore, it has been classified as a Variant of Uncertain Significance.

NM_022051.3(EGLN1):c.229C>T (p.Pro77Ser)

Gene: EGLN1 (egl-9 family hypoxia inducible factor 1; minus strand). Cytogenetic location: 1q42.2.
Variant type: single nucleotide variant.
Coding change: c.229C>T on transcript NM_022051.3 (MANE Select); coding-DNA position 229, C replaced by T.
Protein change: p.Pro77Ser; replaces proline 77 with serine.
Molecular consequence: missense variant.
Genome position (GRCh38, 1-based): chr1:231,421,660, G>A on the plus strand (C>T on the coding strand, the complement: EGLN1 is on the minus strand). VCF-style: chr1-231421660-G-A. GRCh37 (hg19) VCF-style: chr1-231557406-G-A.
Other names: c.229C>T, p.Pro77Ser (NM_001377260.1, NM_001377261.1); short protein forms P77S.
Identifiers: ClinVar variation 1481614 (VCV001481614.11), dbSNP rs920027770, ClinGen allele CA38948976.
Genomic context (GRCh38, chr1:231,421,660, plus strand): 5'-CTGCCTTCCTGGGCTCCCGGGCCCCGGCCCTGGGCGGCGGCACTGCAGCCGGCGGCGCGG[G>A]GCCGGAATGCTGGTGTGGGCCCACTCCGTGGCCGAGGGCGCCCTCGCTGCCCTGGCACAC-3'
Protein context (NP_071334.1, residues 67-87): HGVGPHQHSG[Pro77Ser]APPAAVPPPR